The following is an entry in ClinVar:

ClinVar aggregate classification (germline): Likely benign (0 of 4 stars; one submission).

Conditions:
LARP7-related disorder. Also called: LARP7-related condition.

Allele frequency attached by ClinVar (database versions not stated): ExAC 0.00001; gnomAD 0.00001; gnomAD exomes 0.00002; TOPMed 0.00003.
gnomAD v4.1: 34 of 1,529,218 alleles (0.0022%); highest among the groups gnomAD compares: Non-Finnish European, 0.0027%; no homozygotes.

Submission:

PreventionGenetics, part of Exact Sciences
Classification: Likely benign for LARP7-related condition. Last evaluated: 2019-08-09. Review status: no assertion criteria provided. Collection method: clinical testing. Allele origin: germline.
Comment: This variant is classified as likely benign based on ACMG/AMP sequence variant interpretation guidelines (Richards et al. 2015 PMID: 25741868, with internal and published modifications).

NM_016648.4(LARP7):c.*4A>G

Gene: LARP7 (La ribonucleoprotein 7, transcriptional regulator; plus strand). Cytogenetic location: 4q25.
Variant type: single nucleotide variant.
Coding change: c.*4A>G on transcript NM_016648.4 (MANE Select); 4 bases downstream of the stop codon, A replaced by G.
Molecular consequence: 3 prime UTR variant.
Genome position (GRCh38, 1-based): chr4:112,657,331, A>G. VCF-style: chr4-112657331-A-G. GRCh37 (hg19) VCF-style: chr4-113578487-A-G.
Other names: c.*4A>G (NM_001267039.4, NM_001370974.1, NM_001370975.1 and 8 more transcripts).
Identifiers: ClinVar variation 3035355 (VCV003035355.2), dbSNP rs758626659, ClinGen allele CA3049811.